The following is an entry in ClinVar:

ClinVar aggregate classification (germline): Uncertain significance (1 of 4 stars; one submission).

Submission:

GeneDx
Classification: Uncertain significance. Last evaluated: 2020-10-27. Review status: criteria provided, single submitter. Criteria: GeneDx Variant Classification Process June 2021. Collection method: clinical testing. Allele origin: germline. Affected: yes.
Comment: Not observed in large population cohorts (Lek et al., 2016); Has not been previously published as pathogenic or benign to our knowledge; In-silico analysis, which includes splice predictors and evolutionary conservation, is inconclusive as to whether the variant alters gene splicing. In the absence of RNA/functional studies, the actual effect of this sequence change is unknown.

NM_024665.7(TBL1XR1):c.1048-7T>G

Genes: TBL1XR1 (TBL1X/Y related 1; minus strand), TBL1XR1-AS1 (TBL1XR1 antisense RNA 1; plus strand), LOC126806878 (CDK7 strongly-dependent group 2 enhancer GRCh37_chr3:176755168-176756367; plus strand). Cytogenetic location: 3q26.32.
Variant type: single nucleotide variant.
Coding change: c.1048-7T>G on transcript NM_024665.7 (MANE Select); 7 bases into the intron before coding-DNA position 1048, T replaced by G.
Molecular consequence: intron variant.
Genome position (GRCh38, 1-based): chr3:177,038,179, A>C on the plus strand (T>G on the coding strand, the complement: TBL1XR1 is on the minus strand). VCF-style: chr3-177038179-A-C. GRCh37 (hg19) VCF-style: chr3-176755967-A-C.
Other names: c.1048-7T>G (NM_001374327.1, NM_001321194.3, NM_001321193.3 and 2 more transcripts); c.787-7T>G (NM_001374330.1, NM_001321195.3).
Identifiers: ClinVar variation 1313399 (VCV001313399.2), dbSNP rs2108436546, ClinGen allele CA2573052117.